The following is an entry in ClinVar:

NM_021831.6(AGBL5):c.1394T>A (p.Ile465Asn)

Gene: AGBL5 (AGBL carboxypeptidase 5; plus strand). Cytogenetic location: 2p23.3.
Variant type: single nucleotide variant.
Coding change: c.1394T>A on transcript NM_021831.6 (MANE Select); coding-DNA position 1394, T replaced by A.
Protein change: p.Ile465Asn; replaces isoleucine 465 with asparagine.
Molecular consequence: missense variant. On other transcripts: non-coding transcript variant (2).
Genome position (GRCh38, 1-based): chr2:27,056,651, T>A. VCF-style: chr2-27056651-T-A. GRCh37 (hg19) VCF-style: chr2-27279519-T-A.
Other names: c.1394T>A, p.Ile465Asn (NM_001035507.3); short protein forms I465N.
Identifiers: ClinVar variation 1019276 (VCV001019276.6), dbSNP rs1668445615, ClinGen allele CA346181968.

ClinVar aggregate classification (germline): Uncertain significance (1 of 4 stars; one submission).

Submission:

Labcorp Genetics (formerly Invitae), Labcorp
Classification: Uncertain significance. Last evaluated: 2022-08-15. Review status: criteria provided, single submitter. Criteria: Invitae Variant Classification Sherloc (09022015). Collection method: clinical testing. Allele origin: germline.
Comment: Algorithms developed to predict the effect of missense changes on protein structure and function (SIFT, PolyPhen-2, Align-GVGD) all suggest that this variant is likely to be disruptive. ClinVar contains an entry for this variant (Variation ID: 1019276). This variant has not been reported in the literature in individuals affected with AGBL5-related conditions. This variant is not present in population databases (gnomAD no frequency). This sequence change replaces isoleucine, which is neutral and non-polar, with asparagine, which is neutral and polar, at codon 465 of the AGBL5 protein (p.Ile465Asn). In summary, the available evidence is currently insufficient to determine the role of this variant in disease. Therefore, it has been classified as a Variant of Uncertain Significance.